The following is an entry in ClinVar:

NM_015102.5(NPHP4):c.139G>T (p.Val47Leu)

Gene: NPHP4 (nephrocystin 4; minus strand). Cytogenetic location: 1p36.31.
Variant type: single nucleotide variant.
Coding change: c.139G>T on transcript NM_015102.5 (MANE Select); coding-DNA position 139, G replaced by T.
Protein change: p.Val47Leu; replaces valine 47 with leucine.
Molecular consequence: missense variant. On other transcripts: 5 prime UTR variant (1), non-coding transcript variant (1), intron variant (1).
Genome position (GRCh38, 1-based): chr1:5,978,410, C>A on the plus strand (G>T on the coding strand, the complement: NPHP4 is on the minus strand). VCF-style: chr1-5978410-C-A. GRCh37 (hg19) VCF-style: chr1-6038470-C-A.
Other names: c.-1091G>T (NM_001291593.2); c.-1087-9151G>T (NM_001291594.2); short protein forms V47L.
Identifiers: ClinVar variation 1052256 (VCV001052256.9), dbSNP rs1288396418, ClinGen allele CA338053486.

ClinVar aggregate classification (germline): Uncertain significance (1 of 4 stars; one submission).

Conditions:
Nephronophthisis. Also called: Juvenile Nephronophthisis. Identifiers: Orphanet 655, MedGen C0687120, MONDO:0019005, HP:0000090.

gnomAD v4.1: 9 of 1,601,894 alleles (0.00056%); highest among the groups gnomAD compares: South Asian, 0.0079%; no homozygotes.

Submission:

Labcorp Genetics (formerly Invitae), Labcorp
Classification: Uncertain significance for Nephronophthisis. Last evaluated: 2024-03-18. Review status: criteria provided, single submitter. Criteria: Invitae Variant Classification Sherloc (09022015). Collection method: clinical testing. Allele origin: germline.
Comment: This sequence change replaces valine, which is neutral and non-polar, with leucine, which is neutral and non-polar, at codon 47 of the NPHP4 protein (p.Val47Leu). The frequency data for this variant in the population databases is considered unreliable, as metrics indicate poor data quality at this position in the gnomAD database. This variant has not been reported in the literature in individuals affected with NPHP4-related conditions. ClinVar contains an entry for this variant (Variation ID: 1052256). Algorithms developed to predict the effect of missense changes on protein structure and function output the following: SIFT: "Not Available"; PolyPhen-2: "Benign"; Align-GVGD: "Not Available". The leucine amino acid residue is found in multiple mammalian species, which suggests that this missense change does not adversely affect protein function. In summary, the available evidence is currently insufficient to determine the role of this variant in disease. Therefore, it has been classified as a Variant of Uncertain Significance.